The following is an entry in ClinVar:

ClinVar aggregate classification (germline): Uncertain significance (1 of 4 stars; one submission).

Conditions:
Inborn genetic diseases. Identifiers: MedGen C0950123, MeSH D030342.

Allele frequency attached by ClinVar (database versions not stated): gnomAD exomes below 0.00001; TOPMed 0.00001.
gnomAD v4.1: 1 of 1,613,896 alleles (0.000062%); highest among the groups gnomAD compares: African/African-American, 0.0013%; no homozygotes.

Submission:

Ambry Genetics
Classification: Uncertain significance for Inborn genetic diseases. Last evaluated: 2023-01-12. Review status: criteria provided, single submitter. Criteria: Ambry Variant Classification Scheme 2023. Collection method: clinical testing. Allele origin: germline.
Comment: The c.2170G>A (p.V724I) alteration is located in exon 19 (coding exon 19) of the PHIP gene. This alteration results from a G to A substitution at nucleotide position 2170, causing the valine (V) at amino acid position 724 to be replaced by an isoleucine (I). This variant was not reported in population-based cohorts in the Genome Aggregation Database (gnomAD). This amino acid position is not well conserved in available vertebrate species. This alteration is predicted to be tolerated by in silico analysis. Based on insufficient or conflicting evidence, the clinical significance of this alteration remains unclear.

NM_017934.7(PHIP):c.2170G>A (p.Val724Ile)

Gene: PHIP (PHIP subunit of CUL4-Ring ligase complex; minus strand). Cytogenetic location: 6q14.1.
Variant type: single nucleotide variant.
Coding change: c.2170G>A on transcript NM_017934.7 (MANE Select); coding-DNA position 2170, G replaced by A.
Protein change: p.Val724Ile; replaces valine 724 with isoleucine.
Molecular consequence: missense variant.
Genome position (GRCh38, 1-based): chr6:78,997,445, C>T on the plus strand (G>A on the coding strand, the complement: PHIP is on the minus strand). VCF-style: chr6-78997445-C-T. GRCh37 (hg19) VCF-style: chr6-79707162-C-T.
Other names: short protein forms V724I.
Identifiers: ClinVar variation 2331734 (VCV002331734.3), dbSNP rs1769693295, ClinGen allele CA364630075.